The following is an entry in ClinVar:

NM_000081.4(LYST):c.1969A>T (p.Asn657Tyr)

Gene: LYST (lysosomal trafficking regulator; minus strand). Cytogenetic location: 1q42.3.
Variant type: single nucleotide variant.
Coding change: c.1969A>T on transcript NM_000081.4 (MANE Select); coding-DNA position 1969, A replaced by T.
Protein change: p.Asn657Tyr; replaces asparagine 657 with tyrosine.
Molecular consequence: missense variant.
Genome position (GRCh38, 1-based): chr1:235,808,849, T>A on the plus strand (A>T on the coding strand, the complement: LYST is on the minus strand). VCF-style: chr1-235808849-T-A. GRCh37 (hg19) VCF-style: chr1-235972149-T-A.
Other names: c.1969A>T, p.Asn657Tyr (NM_001301365.1); short protein forms N657Y.
Identifiers: ClinVar variation 3668743 (VCV003668743.2).

ClinVar aggregate classification (germline): Uncertain significance (1 of 4 stars; one submission).

Conditions:
Chédiak-Higashi syndrome (CHS). Also called: Chediak-Higashi Syndrome. Identifiers: Orphanet 167, MedGen C0007965, MONDO:0008963, OMIM 214500.

gnomAD v4.1: 8 of 1,613,948 alleles (0.0005%); highest among the groups gnomAD compares: South Asian, 0.0088%; no homozygotes.

Submission:

Labcorp Genetics (formerly Invitae), Labcorp
Classification: Uncertain significance for Chédiak-Higashi syndrome. Last evaluated: 2024-03-07. Review status: criteria provided, single submitter. Criteria: Invitae Variant Classification Sherloc (09022015). Collection method: clinical testing. Allele origin: germline.
Comment: This sequence change replaces asparagine, which is neutral and polar, with tyrosine, which is neutral and polar, at codon 657 of the LYST protein (p.Asn657Tyr). This variant is present in population databases (rs766288052, gnomAD 0.006%). This variant has not been reported in the literature in individuals affected with LYST-related conditions. Advanced modeling of protein sequence and biophysical properties (such as structural, functional, and spatial information, amino acid conservation, physicochemical variation, residue mobility, and thermodynamic stability) performed at Invitae indicates that this missense variant is not expected to disrupt LYST protein function with a negative predictive value of 80%. In summary, the available evidence is currently insufficient to determine the role of this variant in disease. Therefore, it has been classified as a Variant of Uncertain Significance.